The following is an entry in ClinVar:

NM_000228.3(LAMB3):c.1133-30C>T

Gene: LAMB3 (laminin subunit beta 3; minus strand). Cytogenetic location: 1q32.2.
Variant type: single nucleotide variant.
Coding change: c.1133-30C>T on transcript NM_000228.3 (MANE Select); 30 bases into the intron before coding-DNA position 1133, C replaced by T.
Molecular consequence: intron variant.
Genome position (GRCh38, 1-based): chr1:209,628,220, G>A on the plus strand (C>T on the coding strand, the complement: LAMB3 is on the minus strand). VCF-style: chr1-209628220-G-A. GRCh37 (hg19) VCF-style: chr1-209801565-G-A.
Other names: c.1133-30C>T (NM_001127641.1, NM_001017402.2).
Identifiers: ClinVar variation 3057135 (VCV003057135.2), dbSNP rs763633758, ClinGen allele CA1375683.

ClinVar aggregate classification (germline): Likely benign (0 of 4 stars; one submission).

Conditions:
LAMB3-related disorder. Also called: LAMB3-related condition.

gnomAD v4.1: 23 of 1,550,840 alleles (0.0015%); highest among the groups gnomAD compares: Non-Finnish European, 0.0019%; no homozygotes.

Submission:

PreventionGenetics, part of Exact Sciences
Classification: Likely benign for LAMB3-related condition. Last evaluated: 2019-04-30. Review status: no assertion criteria provided. Collection method: clinical testing. Allele origin: germline.
Comment: This variant is classified as likely benign based on ACMG/AMP sequence variant interpretation guidelines (Richards et al. 2015 PMID: 25741868, with internal and published modifications).